The following is an entry in ClinVar:

NM_001267550.2(TTN):c.87812G>C (p.Gly29271Ala)

Genes: TTN (titin; minus strand), TTN-AS1 (TTN antisense RNA 1; plus strand). Cytogenetic location: 2q31.2.
Variant type: single nucleotide variant.
Coding change: c.87812G>C on transcript NM_001267550.2 (MANE Select); coding-DNA position 87812, G replaced by C.
Protein change: p.Gly29271Ala; replaces glycine 29271 with alanine.
Molecular consequence: missense variant.
Genome position (GRCh38, 1-based): chr2:178,557,450, C>G on the plus strand (G>C on the coding strand, the complement: TTN is on the minus strand). VCF-style: chr2-178557450-C-G. GRCh37 (hg19) VCF-style: chr2-179422177-C-G.
Other names: c.82889G>C, p.Gly27630Ala (NM_001256850.1); c.60617G>C, p.Gly20206Ala (NM_003319.4); c.80108G>C, p.Gly26703Ala (NM_133378.4); c.60992G>C, p.Gly20331Ala (NM_133432.3); c.61193G>C, p.Gly20398Ala (NM_133437.4); short protein forms G20206A, G20331A, G20398A, G26703A, G27630A, G29271A.
Identifiers: ClinVar variation 5039285 (VCV005039285.1).

ClinVar aggregate classification (germline): Uncertain significance (1 of 4 stars; one submission).

gnomAD v4.1: 2 of 1,613,922 alleles (0.00012%); highest among the groups gnomAD compares: Non-Finnish European, 0.00017%; no homozygotes.

Submission:

CeGaT Center for Human Genetics Tuebingen
Classification: Uncertain significance. Last evaluated: 2026-08-01. Review status: criteria provided, single submitter. Criteria: CeGaT Center For Human Genetics Tuebingen Variant Classification Criteria Version 2. Collection method: clinical testing. Allele origin: germline. Affected: yes. Observed: 1 variant allele.
Comment: TTN: PM2